The following is an entry in ClinVar:

NM_001035.3(RYR2):c.4714A>G (p.Lys1572Glu)

Gene: RYR2 (ryanodine receptor 2; plus strand). Cytogenetic location: 1q43.
Variant type: single nucleotide variant.
Coding change: c.4714A>G on transcript NM_001035.3 (MANE Select); coding-DNA position 4714, A replaced by G.
Protein change: p.Lys1572Glu; replaces lysine 1572 with glutamic acid.
Molecular consequence: missense variant.
Genome position (GRCh38, 1-based): chr1:237,610,792, A>G. VCF-style: chr1-237610792-A-G. GRCh37 (hg19) VCF-style: chr1-237774092-A-G.
Other names: short protein forms K1572E.
Identifiers: ClinVar variation 2988370 (VCV002988370.3), dbSNP rs769044169, ClinGen allele CA073367.

ClinVar aggregate classification (germline): Uncertain significance (1 of 4 stars; one submission).

Conditions:
Catecholaminergic polymorphic ventricular tachycardia 1. Also called: RYR2-Related Catecholaminergic Polymorphic Ventricular Tachycardia; VENTRICULAR TACHYCARDIA, STRESS-INDUCED POLYMORPHIC 1; VENTRICULAR TACHYCARDIA, CATECHOLAMINERGIC POLYMORPHIC, 1, WITH OR WITHOUT ATRIAL DYSFUNCTION AND/OR DILATED CARDIOMYOPATHY. Identifiers: Orphanet 3286, MedGen C1631597, MONDO:0011484, OMIM 604772.

Allele frequency attached by ClinVar (database versions not stated): ExAC 0.00001; gnomAD exomes 0.00001.
gnomAD v4.1: 15 of 1,608,810 alleles (0.00093%); highest among the groups gnomAD compares: Non-Finnish European, 0.0013%; no homozygotes.

Submission:

Labcorp Genetics (formerly Invitae), Labcorp
Classification: Uncertain significance for Catecholaminergic polymorphic ventricular tachycardia 1. Last evaluated: 2023-12-13. Review status: criteria provided, single submitter. Criteria: Invitae Variant Classification Sherloc (09022015). Collection method: clinical testing. Allele origin: germline.
Comment: This sequence change replaces lysine, which is basic and polar, with glutamic acid, which is acidic and polar, at codon 1572 of the RYR2 protein (p.Lys1572Glu). The frequency data for this variant in the population databases is considered unreliable, as metrics indicate poor data quality at this position in the gnomAD database. This variant has not been reported in the literature in individuals affected with RYR2-related conditions. Advanced modeling of protein sequence and biophysical properties (such as structural, functional, and spatial information, amino acid conservation, physicochemical variation, residue mobility, and thermodynamic stability) performed at Invitae indicates that this missense variant is not expected to disrupt RYR2 protein function with a negative predictive value of 95%. In summary, the available evidence is currently insufficient to determine the role of this variant in disease. Therefore, it has been classified as a Variant of Uncertain Significance.